The following is an entry in ClinVar:

NM_144672.4(OTOA):c.1880C>G (p.Pro627Arg)

Gene: OTOA (otoancorin). Cytogenetic location: 16p12.2.
Variant type: single nucleotide variant.
Coding change: c.1880C>G on transcript NM_144672.4 (MANE Select); coding-DNA position 1880, C replaced by G.
Protein change: p.Pro627Arg; replaces proline 627 with arginine.
Molecular consequence: missense variant.
Genome position (GRCh38, 1-based): chr16:21,722,978, C>G. VCF-style: chr16-21722978-C-G. GRCh37 (hg19) VCF-style: chr16-21734299-C-G.
Other names: c.1643C>G, p.Pro548Arg (NM_001161683.2); c.908C>G, p.Pro303Arg (NM_170664.3); short protein forms P627R, P303R, P548R.
Identifiers: ClinVar variation 164825 (VCV000164825.10), dbSNP rs727503351, ClinGen allele CA177532.

ClinVar aggregate classification (germline): Conflicting classifications of pathogenicity. Review status: criteria provided, conflicting classifications (1 of 4 stars). 2 submissions from 2 submitters: Likely pathogenic (1); Uncertain significance (1). Last evaluated 2023-04-16.

gnomAD v4.1: 5 of 1,613,910 alleles (0.00031%); highest among the groups gnomAD compares: Non-Finnish European, 0.00042%; no homozygotes.

Submissions (2):

Labcorp Genetics (formerly Invitae), Labcorp
Classification: Likely pathogenic. Last evaluated: 2023-04-16. Review status: criteria provided, single submitter. Criteria: Invitae Variant Classification Sherloc (09022015). Collection method: clinical testing. Allele origin: germline.
Comment: This sequence change replaces proline, which is neutral and non-polar, with arginine, which is basic and polar, at codon 627 of the OTOA protein (p.Pro627Arg). This variant is not present in population databases (gnomAD no frequency). This missense change has been observed in individual(s) with autosomal recessive deafness (Invitae). In at least one individual the data is consistent with being in trans (on the opposite chromosome) from a pathogenic variant. ClinVar contains an entry for this variant (Variation ID: 164825). An algorithm developed to predict the effect of missense changes on protein structure and function (PolyPhen-2) suggests that this variant is likely to be disruptive. Algorithms developed to predict the effect of sequence changes on RNA splicing suggest that this variant may create or strengthen a splice site. This variant disrupts the p.Pro627 amino acid residue in OTOA. Other variant(s) that disrupt this residue have been determined to be pathogenic (PMID: 23173898). This suggests that this residue is clinically significant, and that variants that disrupt this residue are likely to be disease-causing. In summary, the currently available evidence indicates that the variant is pathogenic, but additional data are needed to prove that conclusively. Therefore, this variant has been classified as Likely Pathogenic.

Laboratory for Molecular Medicine, Mass General Brigham Personalized Medicine
Classification: Uncertain significance. Last evaluated: 2014-11-08. Review status: criteria provided, single submitter. Criteria: LMM Criteria. Collection method: clinical testing. Allele origin: germline. Observed: 2 variant alleles.
Comment: The p.Pro627Arg variant in OTOA has not been previously reported in individuals with hearing loss or in large population studies. Another variant at this positi on (p.Pro627Ser) has been reported in 2 Pakistani individuals with non-syndromic hearing loss, and segregated with disease in 2 affected siblings from 2 familie s (Lee 2013), suggesting that changes that this position may affect the protein. Computational prediction tools and conservation analyses suggest that the p.Pro 627Arg variant may impact the protein, though this information is not predictive enough to determine pathogenicity. In addition, this variant is located at the last nucleotide of the exon, which is part of the 5' splice region. Computation al tools do not suggest an impact to splicing; however, this information is not predictive enough to rule out pathogenicity. In summary, the clinical significan ce of the p.Pro627Arg variant is uncertain.

Literature cited by the submitters: PubMed 23173898 (cited by Labcorp Genetics (formerly Invitae), Labcorp and Laboratory for Molecular Medicine, Mass General Brigham Personalized Medicine).